The following is an entry in ClinVar:

ClinVar aggregate classification (germline): Uncertain significance. Review status: criteria provided, multiple submitters, no conflicts (2 of 4 stars). 2 submissions from 2 submitters: Uncertain significance (2). Last evaluated 2023-01-05.

Conditions:
Charcot-Marie-Tooth disease dominant intermediate B (CMTDIB). Also called: CHARCOT-MARIE-TOOTH NEUROPATHY, DOMINANT INTERMEDIATE B; Charcot-Marie-Tooth disease dominant intermediate 1; CMT DI1; Charcot-Marie-Tooth disease dominant intermediate I. Identifiers: Orphanet 100044, Orphanet 228179, MedGen C1847902, MONDO:0011674, OMIM 606482.
Autosomal dominant centronuclear myopathy. Also called: Myopathy, centronuclear, 3; MYOTUBULAR MYOPATHY, AUTOSOMAL DOMINANT. Identifiers: Orphanet 169189, MedGen C4551952, MeSH D020914, MONDO:0008048, OMIM 160150.

Submissions (2):

Labcorp Genetics (formerly Invitae), Labcorp
Classification: Uncertain significance for Charcot-Marie-Tooth disease dominant intermediate B. Last evaluated: 2023-01-05. Review status: criteria provided, single submitter. Criteria: Invitae Variant Classification Sherloc (09022015). Collection method: clinical testing. Allele origin: germline.
Comment: In summary, the available evidence is currently insufficient to determine the role of this variant in disease. Therefore, it has been classified as a Variant of Uncertain Significance. Advanced modeling of protein sequence and biophysical properties (such as structural, functional, and spatial information, amino acid conservation, physicochemical variation, residue mobility, and thermodynamic stability) has been performed at Invitae for this missense variant, however the output from this modeling did not meet the statistical confidence thresholds required to predict the impact of this variant on DNM2 protein function. ClinVar contains an entry for this variant (Variation ID: 1251921). This variant has not been reported in the literature in individuals affected with DNM2-related conditions. This variant is not present in population databases (gnomAD no frequency). This sequence change replaces alanine, which is neutral and non-polar, with threonine, which is neutral and polar, at codon 328 of the DNM2 protein (p.Ala328Thr).

HudsonAlpha Institute for Biotechnology
Classification: Uncertain significance for Autosomal dominant centronuclear myopathy. Last evaluated: 2020-03-27. Review status: criteria provided, single submitter. Criteria: ACMG Guidelines, 2015. Collection method: research. Allele origin: unknown. Observed: 1 variant allele. Study: HudsonAlpha-AGHI-WGS.
Comment: ACMG codes:PM2, PP3

NM_001005361.3(DNM2):c.982G>A (p.Ala328Thr)

Gene: DNM2 (dynamin 2; plus strand). Cytogenetic location: 19p13.2.
Variant type: single nucleotide variant.
Coding change: c.982G>A on transcript NM_001005361.3 (MANE Select); coding-DNA position 982, G replaced by A.
Protein change: p.Ala328Thr; replaces alanine 328 with threonine.
Molecular consequence: missense variant.
Genome position (GRCh38, 1-based): chr19:10,786,696, G>A. VCF-style: chr19-10786696-G-A. GRCh37 (hg19) VCF-style: chr19-10897372-G-A.
Other names: c.982G>A, p.Ala328Thr (NM_001005360.3, NM_001005362.3, NM_001190716.2 and 1 more transcripts); short protein forms A328T.
Identifiers: ClinVar variation 1251921 (VCV001251921.4), dbSNP rs2145978260, ClinGen allele CA404046528.
Genomic context (GRCh38, chr19:10,786,696, plus strand): 5'-GAGAAGGAGGTGGAGGAGTACAAGAACTTTCGGCCCGACGACCCCACCCGCAAAACCAAA[G>A]CCCTGCTGCAGTATGTACCCCGGCACCCACCACCACCACCACCCTGGCCCCTGCCTTCCA-3'
Protein context (NP_001005361.1, residues 318-338): RPDDPTRKTK[Ala328Thr]LLQMVQQFGV